The following is an entry in ClinVar:

NM_007294.4(BRCA1):c.658del (p.Ser220fs)

Gene: BRCA1 (BRCA1 DNA repair associated; minus strand). Cytogenetic location: 17q21.31.
Variant type: Deletion.
Coding change: c.658del on transcript NM_007294.4 (MANE Select); coding-DNA position 658, one base deleted (T; older notation c.658delT).
Protein change: p.Ser220fs; shifts the reading frame from serine 220.
Molecular consequence: frameshift variant. On other transcripts: intron variant (115).
Genome position (GRCh38, 1-based): chr17:43,095,858, A deleted on the plus strand (T on the coding strand, the reverse complement: BRCA1 is on the minus strand); the first of 2 consecutive A bases (chr17:43,095,858-43,095,859); deleting either gives the same sequence. VCF-style (leftmost placement, unchanged base first): chr17-43095857-GA-G. GRCh37 (hg19) VCF-style: chr17-41247874-GA-G.
Other names: c.445del, p.Ser149fs (NM_001407571.1, NM_001407853.1, NM_001407894.1 and 12 more transcripts); c.658del, p.Ser220fs (NM_001407581.1, NM_001407582.1, NM_001407583.1 and 58 more transcripts); c.655del, p.Ser219fs (NM_001407587.1, NM_001407590.1, NM_001407591.1 and 41 more transcripts); c.649del, p.Ser217fs (NM_001407646.1, NM_001407647.1, NM_001408408.1); c.580del, p.Ser194fs (NM_001407653.1, NM_001407654.1, NM_001407655.1 and 9 more transcripts); c.577del, p.Ser193fs (NM_001407659.1, NM_001407660.1, NM_001407661.1 and 3 more transcripts); c.517del, p.Ser173fs (NM_001407692.1, NM_001407694.1, NM_001407695.1 and 43 more transcripts); c.514del, p.Ser172fs (NM_001407740.1, NM_001407741.1, NM_001407742.1 and 26 more transcripts); and 17 more; short protein forms S149fs, S150fs, S172fs, S173fs, S175fs, S193fs, S194fs, S217fs.
Identifiers: ClinVar variation 3362386 (VCV003362386.1).
Genomic context (GRCh38, chr17:43,095,857, plus strand): 5'-TACCCACTCTCTTTTCAGTGCCTGTTAAGTTGGCAAACTTTGCCATTACCCTTTTTTGCA[GA>G]ATCCAAACTGATTTCATCCCTGGTTCCTTGAGGGGTGATTTGTAACAATTCTTGATCTCC-3'

ClinVar aggregate classification (germline): Uncertain significance (1 of 4 stars; one submission).

Conditions:
Hereditary breast ovarian cancer syndrome. Also called: Hereditary breast and ovarian cancer; Hereditary breast and ovarian cancer syndrome (HBOC); Hereditary breast and ovarian cancer syndrome; Breast and ovarian cancer; Hereditary breast and/or ovarian cancer syndrome; BRCA1- and BRCA2-Associated Hereditary Breast and Ovarian Cancer. Identifiers: Orphanet 145, MedGen C0677776, MeSH D061325, MONDO:0003582. Disease mechanism: loss of function.

Submission:

German Consortium for Hereditary Breast and Ovarian Cancer, University Hospital Cologne
Classification: Uncertain significance for Hereditary breast ovarian cancer syndrome. Last evaluated: 2024-09-10. Review status: criteria provided, single submitter. Criteria: ClinGen BRCA1 V1.1.0. Collection method: curation. Allele origin: germline.
Comment: p.Ser220LeufsTer14 Exon 10 PVS1 and PM5 not applicable; According to the ClinGen ENIGMA BRCA1 v1.1.0 criteria we chose this criterion: PM2 (supporting pathogenic): not in gnomAD v2/v3